The following is an entry in ClinVar:

ClinVar aggregate classification (germline): Uncertain significance. Review status: criteria provided, multiple submitters, no conflicts (2 of 4 stars). 3 submissions from 3 submitters: Uncertain significance (2). 1 of the submissions does not count toward it. Last evaluated 2022-12-21.

Conditions:
FLNA-related disorder.
Heterotopia, periventricular, X-linked dominant (PVNH1). Also called: PERIVENTRICULAR NODULAR HETEROTOPIA 4; HETEROTOPIA, PERIVENTRICULAR, 1; PERIVENTRICULAR NODULAR HETEROTOPIA 1; X-linked periventricular heterotopia. Identifiers: Orphanet 2149, Orphanet 82004, MedGen C1848213, MONDO:0010233, OMIM 300049.
Melnick-Needles syndrome (MNS). Also called: Melnick-Needles Syndrome (FLNA-MNS); MELNICK-NEEDLES OSTEODYSPLASTY; OSTEODYSPLASTY OF MELNICK AND NEEDLES. Identifiers: Orphanet 2484, MedGen C0025237, MONDO:0010650, OMIM 309350.
Frontometaphyseal dysplasia (FMD1). Identifiers: Orphanet 1826, MedGen C0265293, MONDO:0015942.
Oto-palato-digital syndrome, type II (OPD2). Also called: Otopalatodigital Syndrome Type 2 (FLNA-OPD2); FACIOPALATOOSSEOUS SYNDROME; OPD II SYNDROME; Otopalatodigital Syndrome, Type II. Identifiers: Orphanet 669, Orphanet 90652, MedGen C1844696, MONDO:0010571, OMIM 304120.

Submissions (3):

Labcorp Genetics (formerly Invitae), Labcorp
Classification: Uncertain significance for Oto-palato-digital syndrome, type II; Heterotopia, periventricular, X-linked dominant; Frontometaphyseal dysplasia; Melnick-Needles syndrome. Last evaluated: 2022-12-21. Review status: criteria provided, single submitter. Criteria: Invitae Variant Classification Sherloc (09022015). Collection method: clinical testing. Allele origin: germline.
Comment: In summary, the available evidence is currently insufficient to determine the role of this variant in disease. Therefore, it has been classified as a Variant of Uncertain Significance. Algorithms developed to predict the effect of missense changes on protein structure and function (SIFT, PolyPhen-2, Align-GVGD) all suggest that this variant is likely to be disruptive. ClinVar contains an entry for this variant (Variation ID: 1801145). This variant has not been reported in the literature in individuals affected with FLNA-related conditions. This variant is not present in population databases (gnomAD no frequency). This sequence change replaces proline, which is neutral and non-polar, with leucine, which is neutral and non-polar, at codon 2407 of the FLNA protein (p.Pro2407Leu).

GeneDx
Classification: Uncertain significance. Last evaluated: 2022-05-26. Review status: criteria provided, single submitter. Criteria: GeneDx Variant Classification Process June 2021. Collection method: clinical testing. Allele origin: germline. Affected: yes.
Comment: Not observed at significant frequency in large population cohorts (gnomAD); In silico analysis supports that this missense variant has a deleterious effect on protein structure/function; Has not been previously published as pathogenic or benign to our knowledge

PreventionGenetics, part of Exact Sciences
Classification: Uncertain significance for FLNA-related condition. Last evaluated: 2023-11-17. Review status: no assertion criteria provided. Collection method: clinical testing. Allele origin: germline. Not counted in ClinVar's aggregate classification.
Comment: The FLNA c.7244C>T variant is predicted to result in the amino acid substitution p.Pro2415Leu. To our knowledge, this variant has not been reported in the literature or in a large population database, indicating this variant is rare. At this time, the clinical significance of this variant is uncertain due to the absence of conclusive functional and genetic evidence.

NM_001110556.2(FLNA):c.7244C>T (p.Pro2415Leu)

Gene: FLNA (filamin A; minus strand). Cytogenetic location: Xq28.
Variant type: single nucleotide variant.
Coding change: c.7244C>T on transcript NM_001110556.2 (MANE Select); coding-DNA position 7244, C replaced by T.
Protein change: p.Pro2415Leu; replaces proline 2415 with leucine.
Molecular consequence: missense variant.
Genome position (GRCh38, 1-based): chrX:154,350,120, G>A on the plus strand (C>T on the coding strand, the complement: FLNA is on the minus strand). VCF-style: chrX-154350120-G-A. GRCh37 (hg19) VCF-style: chrX-153578488-G-A.
Other names: c.7244C>T (NM_001110556.1); c.7220C>T, p.Pro2407Leu (NM_001456.4); short protein forms P2407L, P2415L.
Identifiers: ClinVar variation 1801145 (VCV001801145.6), dbSNP rs2522714943, ClinGen allele CA415183964.
Genomic context (GRCh38, chrX:154,350,120, plus strand): 5'-TAAGCAGACACCAAGCCTGGGTCCCCTCCATGCCCAGGCTCCCCAACTCGGATCTTGAAG[G>A]GGCTTCCAGGGATGTGGGTGCCGTTGAACTTGACGTCAATCAGGTAAACGCCATTCTCCC-3'
Protein context (NP_001104026.1, residues 2405-2425): KFNGTHIPGS[Pro2415Leu]FKIRVGEPGH